The following is an entry in ClinVar:

NM_000368.5(TSC1):c.2391+1G>C

Gene: TSC1 (TSC complex subunit 1; minus strand). Cytogenetic location: 9q34.13.
Variant type: single nucleotide variant.
Coding change: c.2391+1G>C on transcript NM_000368.5 (MANE Select); the canonical splice donor site of the intron after coding-DNA position 2391, G replaced by C.
Molecular consequence: splice donor variant.
Genome position (GRCh38, 1-based): chr9:132,902,604, C>G on the plus strand (G>C on the coding strand, the complement: TSC1 is on the minus strand). VCF-style: chr9-132902604-C-G. GRCh37 (hg19) VCF-style: chr9-135777991-C-G.
Other names: c.2025+1G>C (NM_001406621.1, NM_001406622.1, NM_001406623.1 and 2 more transcripts); c.2028+1G>C (NM_001406617.1, NM_001406619.1, NM_001362177.2 and 5 more transcripts); c.2235+1G>C (NM_001406613.1, NM_001406612.1, NM_001406611.1); c.2238+1G>C (NM_001406610.1, NM_001162427.2); c.1437+1G>C (NM_001406627.1, NM_001406628.1); c.1338+1G>C (NM_001406629.1, NM_001406630.1); c.2373+1G>C (NM_001406603.1, NM_001406604.1); c.2388+1G>C (NM_001406609.1, NM_001406597.1, NM_001406600.1 and 4 more transcripts); and 3 more.
Identifiers: ClinVar variation 411278 (VCV000411278.7), dbSNP rs1060503224, ClinGen allele CA16612572.

ClinVar aggregate classification (germline): Likely pathogenic (1 of 4 stars; one submission).

Conditions:
Tuberous sclerosis 1 (TSC1). Identifiers: Orphanet 805, MedGen C1854465, MONDO:0008612, OMIM 191100.

Submission:

Labcorp Genetics (formerly Invitae), Labcorp
Classification: Likely pathogenic for Tuberous sclerosis 1. Last evaluated: 2016-10-13. Review status: criteria provided, single submitter. Criteria: Invitae Variant Classification Sherloc (09022015). Collection method: clinical testing. Allele origin: germline.
Comment: This sequence change affects a donor splice site in intron 18 of the TSC1 gene. It is expected to disrupt RNA splicing and likely results in an absent or disrupted protein product. This variant has not been reported in the literature in individuals with a TSC1-related disease. In summary, donor and acceptor splice site variants are typically loss-of-function (PMID: 16199547), and loss-of-function variants in TSC1 are known to be pathogenic (PMID: 10227394, 17304050). However, without additional functional and/or genetic data, this variant has been classified as Likely Pathogenic.

Literature cited by the submitters: PubMed 16199547; PubMed 10227394; PubMed 17304050.